The following is an entry in ClinVar:

ClinVar aggregate classification (germline): Uncertain significance. Review status: criteria provided, multiple submitters, no conflicts (2 of 4 stars). 2 submissions from 2 submitters: Uncertain significance (2). Last evaluated 2023-10-31.

Conditions:
Inborn genetic diseases. Identifiers: MedGen C0950123, MeSH D030342.
Neuronal ceroid lipofuscinosis. Also called: Neuronal Ceroid Lipofuscinoses. Identifiers: Orphanet 216, Orphanet 79263, MedGen C0027877, MONDO:0016295. Disease mechanism: loss of function.

Allele frequency attached by ClinVar (database versions not stated): gnomAD exomes below 0.00001.
gnomAD v4.1: 1 of 1,614,178 alleles (0.000062%); highest among the groups gnomAD compares: Admixed American, 0.0017%; no homozygotes.

Submissions (2):

Labcorp Genetics (formerly Invitae), Labcorp
Classification: Uncertain significance for Neuronal ceroid lipofuscinosis. Last evaluated: 2023-10-31. Review status: criteria provided, single submitter. Criteria: Invitae Variant Classification Sherloc (09022015). Collection method: clinical testing. Allele origin: germline.
Comment: This sequence change replaces glycine, which is neutral and non-polar, with alanine, which is neutral and non-polar, at codon 143 of the DNAJC5 protein (p.Gly143Ala). This variant is present in population databases (no rsID available, gnomAD 0.003%). This variant has not been reported in the literature in individuals affected with DNAJC5-related conditions. ClinVar contains an entry for this variant (Variation ID: 1739418). An algorithm developed to predict the effect of missense changes on protein structure and function (PolyPhen-2) suggests that this variant is likely to be tolerated. In summary, the available evidence is currently insufficient to determine the role of this variant in disease. Therefore, it has been classified as a Variant of Uncertain Significance.

Ambry Genetics
Classification: Uncertain significance for Inborn genetic diseases. Last evaluated: 2017-12-15. Review status: criteria provided, single submitter. Criteria: Ambry Variant Classification Scheme 2023. Collection method: clinical testing. Allele origin: germline.
Comment: The p.G143A variant (also known as c.428G>C), located in coding exon 3 of the DNAJC5 gene, results from a G to C substitution at nucleotide position 428. The glycine at codon 143 is replaced by alanine, an amino acid with similar properties. This amino acid position is well conserved in available vertebrate species. In addition, this alteration is predicted to be tolerated by in silico analysis. Since supporting evidence is limited at this time, the clinical significance of this alteration remains unclear.

NM_025219.3(DNAJC5):c.428G>C (p.Gly143Ala)

Gene: DNAJC5 (DnaJ heat shock protein family (Hsp40) member C5; plus strand). Cytogenetic location: 20q13.33.
Variant type: single nucleotide variant.
Coding change: c.428G>C on transcript NM_025219.3 (MANE Select); coding-DNA position 428, G replaced by C.
Protein change: p.Gly143Ala; replaces glycine 143 with alanine.
Molecular consequence: missense variant.
Genome position (GRCh38, 1-based): chr20:63,930,957, G>C. VCF-style: chr20-63930957-G-C. GRCh37 (hg19) VCF-style: chr20-62562310-G-C.
Other names: short protein forms G143A.
Identifiers: ClinVar variation 1739418 (VCV001739418.5), dbSNP rs1287190001, ClinGen allele CA409719600.
Genomic context (GRCh38, chr20:63,930,957, plus strand): 5'-GCTGTCTGTGCTGCTGCTTCAACTGCTGCTGCGGGAAGTGTAAGCCCAAGGCGCCTGAAG[G>C]CGAGGAGACGGAGTTCTACGTGTCCCCCGAGGATCTGGAGGCACAGCTGCAGTCTGACGA-3'
Protein context (NP_079495.1, residues 133-153): CGKCKPKAPE[Gly143Ala]EETEFYVSPE